The following is an entry in ClinVar:

ClinVar aggregate classification (germline): Uncertain significance. Review status: criteria provided, multiple submitters, no conflicts (2 of 4 stars). 2 submissions from 2 submitters: Uncertain significance (2). Last evaluated 2025-05-03.

Conditions:
Hereditary cancer-predisposing syndrome. Also called: Tumor predisposition; Hereditary Cancer Syndrome; Hereditary neoplastic syndrome; Neoplastic Syndromes, Hereditary. Identifiers: Orphanet 140162, MedGen C0027672, MeSH D009386, MONDO:0015356.
Retinoblastoma (RB1). Also called: RETINOBLASTOMA, SOMATIC. Identifiers: Orphanet 790, MedGen C0035335, MeSH D012175, MONDO:0008380, OMIM 180200, HP:0009919. Disease mechanism: loss of function. Inheritance: Both sporadic and heritable forms are tested..

Allele frequency attached by ClinVar (database versions not stated): gnomAD exomes below 0.00001.
gnomAD v4.1: 1 of 1,613,014 alleles (0.000062%); highest among the groups gnomAD compares: Admixed American, 0.0017%; no homozygotes.

Submissions (2):

Ambry Genetics
Classification: Uncertain significance for Hereditary cancer-predisposing syndrome. Last evaluated: 2025-05-03. Review status: criteria provided, single submitter. Criteria: Ambry Variant Classification Scheme 2023. Collection method: clinical testing. Allele origin: germline.
Comment: The p.W75L variant (also known as c.224G>T), located in coding exon 2 of the RB1 gene, results from a G to T substitution at nucleotide position 224. The tryptophan at codon 75 is replaced by leucine, an amino acid with similar properties. This amino acid position is conserved. In addition, the in silico prediction for this alteration is inconclusive. Since supporting evidence is limited at this time, the clinical significance of this alteration remains unclear.

Labcorp Genetics (formerly Invitae), Labcorp
Classification: Uncertain significance for Retinoblastoma. Last evaluated: 2024-08-13. Review status: criteria provided, single submitter. Criteria: Invitae Variant Classification Sherloc (09022015). Collection method: clinical testing. Allele origin: germline.
Comment: This sequence change replaces tryptophan, which is neutral and slightly polar, with leucine, which is neutral and non-polar, at codon 75 of the RB1 protein (p.Trp75Leu). This variant is not present in population databases (gnomAD no frequency). This variant has not been reported in the literature in individuals affected with RB1-related conditions. ClinVar contains an entry for this variant (Variation ID: 1990043). Advanced modeling of protein sequence and biophysical properties (such as structural, functional, and spatial information, amino acid conservation, physicochemical variation, residue mobility, and thermodynamic stability) performed at Invitae indicates that this missense variant is not expected to disrupt RB1 protein function with a negative predictive value of 80%. In summary, the available evidence is currently insufficient to determine the role of this variant in disease. Therefore, it has been classified as a Variant of Uncertain Significance.

NM_000321.3(RB1):c.224G>T (p.Trp75Leu)

Gene: RB1 (RB transcriptional corepressor 1; plus strand). Cytogenetic location: 13q14.2.
Variant type: single nucleotide variant.
Coding change: c.224G>T on transcript NM_000321.3 (MANE Select); coding-DNA position 224, G replaced by T.
Protein change: p.Trp75Leu; replaces tryptophan 75 with leucine.
Molecular consequence: missense variant.
Genome position (GRCh38, 1-based): chr13:48,307,366, G>T. VCF-style: chr13-48307366-G-T. GRCh37 (hg19) VCF-style: chr13-48881502-G-T.
Other names: c.224G>T, p.Trp75Leu (NM_001407165.1, NM_001407166.1, NM_001407167.1); short protein forms W75L.
Identifiers: ClinVar variation 1990043 (VCV001990043.7), dbSNP rs2138034351, ClinGen allele CA388250613.